The following is an entry in ClinVar:

NM_000245.4(MET):c.3149C>A (p.Thr1050Asn)

Gene: MET (MET proto-oncogene, receptor tyrosine kinase; plus strand). Cytogenetic location: 7q31.2.
Variant type: single nucleotide variant.
Coding change: c.3149C>A on transcript NM_000245.4 (MANE Select); coding-DNA position 3149, C replaced by A.
Protein change: p.Thr1050Asn; replaces threonine 1050 with asparagine.
Molecular consequence: missense variant.
Genome position (GRCh38, 1-based): chr7:116,775,001, C>A. VCF-style: chr7-116775001-C-A. GRCh37 (hg19) VCF-style: chr7-116415055-C-A.
Other names: c.3203C>A (LRG_662t1); c.3203C>A, p.Thr1068Asn (NM_001127500.3); c.1859C>A, p.Thr620Asn (NM_001324402.2); short protein forms T1050N, T1068N, T620N.
Identifiers: ClinVar variation 657736 (VCV000657736.11), dbSNP rs1179812872, ClinGen allele CA368988354.

ClinVar aggregate classification (germline): Conflicting classifications of pathogenicity. Review status: criteria provided, conflicting classifications (1 of 4 stars). 2 submissions from 2 submitters: Uncertain significance (1); Likely benign (1). Last evaluated 2025-12-08.

Conditions:
Renal cell carcinoma. Identifiers: Orphanet 217071, MedGen C0007134, MeSH D002292, MONDO:0005086, HP:0005584.
Hereditary cancer-predisposing syndrome. Also called: Hereditary neoplastic syndrome; Neoplastic Syndromes, Hereditary; Hereditary Cancer Syndrome; Tumor predisposition. Identifiers: Orphanet 140162, MedGen C0027672, MeSH D009386, MONDO:0015356.

Allele frequency attached by ClinVar (database versions not stated): gnomAD exomes below 0.00001.
gnomAD v4.1: 2 of 1,614,198 alleles (0.00012%); no homozygotes.

Submissions (2):

Labcorp Genetics (formerly Invitae), Labcorp
Classification: Uncertain significance for Renal cell carcinoma. Last evaluated: 2025-12-08. Review status: criteria provided, single submitter. Criteria: Invitae Variant Classification Sherloc (09022015). Collection method: clinical testing. Allele origin: germline.
Comment: This sequence change replaces threonine, which is neutral and polar, with asparagine, which is neutral and polar, at codon 1068 of the MET protein (p.Thr1068Asn). This variant is present in population databases (no rsID available, gnomAD 0.0009%). This variant has not been reported in the literature in individuals affected with MET-related conditions. ClinVar contains an entry for this variant (Variation ID: 657736). Invitae Evidence Modeling of protein sequence and biophysical properties (such as structural, functional, and spatial information, amino acid conservation, physicochemical variation, residue mobility, and thermodynamic stability) indicates that this missense variant is not expected to disrupt MET protein function with a negative predictive value of 80%. In summary, the available evidence is currently insufficient to determine the role of this variant in disease. Therefore, it has been classified as a Variant of Uncertain Significance.

Ambry Genetics
Classification: Likely benign for Hereditary cancer-predisposing syndrome. Last evaluated: 2025-05-22. Review status: criteria provided, single submitter. Criteria: Ambry Variant Classification Scheme 2023. Collection method: clinical testing. Allele origin: germline.